The following is an entry in ClinVar:

NM_001374828.1(ARID1B):c.2182G>C (p.Ala728Pro)

Gene: ARID1B (AT-rich interaction domain 1B; plus strand). Cytogenetic location: 6q25.3.
Variant type: single nucleotide variant.
Coding change: c.2182G>C on transcript NM_001374828.1 (MANE Select); coding-DNA position 2182, G replaced by C.
Protein change: p.Ala728Pro; replaces alanine 728 with proline.
Molecular consequence: missense variant.
Genome position (GRCh38, 1-based): chr6:156,935,511, G>C. VCF-style: chr6-156935511-G-C. GRCh37 (hg19) VCF-style: chr6-157256645-G-C.
Other names: c.2221G>C, p.Ala741Pro (NM_001371656.1, NM_001374820.1); c.2182G>C, p.Ala728Pro (NM_017519.3); short protein forms A728P, A741P.
Identifiers: ClinVar variation 3895682 (VCV003895682.2).

ClinVar aggregate classification (germline): Conflicting classifications of pathogenicity. Review status: criteria provided, conflicting classifications (1 of 4 stars). 2 submissions from 2 submitters: Uncertain significance (1); Likely benign (1). Last evaluated 2025-08-28.

Submissions (2):

Labcorp Genetics (formerly Invitae), Labcorp
Classification: Likely benign. Last evaluated: 2025-08-28. Review status: criteria provided, single submitter. Criteria: Invitae Variant Classification Sherloc (09022015). Collection method: clinical testing. Allele origin: germline.

Women's Health and Genetics/Laboratory Corporation of America, LabCorp
Classification: Uncertain significance. Last evaluated: 2025-03-12. Review status: criteria provided, single submitter. Criteria: LabCorp Variant Classification Summary - May 2015. Collection method: clinical testing. Allele origin: germline.
Comment: Variant summary: ARID1B c.2182G>C (p.Ala728Pro) results in a non-conservative amino acid change in the encoded protein sequence. Two of four in-silico tools predict a benign effect of the variant on protein function. The variant was absent in 251426 control chromosomes. The available data on variant occurrences in the general population are insufficient to allow any conclusion about variant significance. To our knowledge, no occurrence of c.2182G>C in individuals affected with Coffin-Siris Syndrome 1 and no experimental evidence demonstrating its impact on protein function have been reported. No submitters have cited clinical-significance assessments for this variant to ClinVar. Based on the evidence outlined above, the variant was classified as uncertain significance.